The following is an entry in ClinVar:

ClinVar aggregate classification (germline): Uncertain significance. Review status: criteria provided, multiple submitters, no conflicts (2 of 4 stars). 3 submissions from 3 submitters: Uncertain significance (3). Last evaluated 2026-06-13.

Conditions:
CBL-related disorder. Also called: NOONAN SYNDROME-LIKE DISORDER WITHOUT JUVENILE MYELOMONOCYTIC LEUKEMIA; CBL MUTATION-ASSOCIATED SYNDROME; CBL SYNDROME. Identifiers: Orphanet 363972, MedGen C3150803, MONDO:0013308, OMIM 613563.
RASopathy. Also called: rasopathies; Noonan spectrum disorder. Identifiers: Orphanet 536391, MedGen C5555857, MONDO:0021060.
Cardiovascular phenotype. Identifiers: MedGen CN230736.

Allele frequency attached by ClinVar (database versions not stated): TOPMed below 0.00001.

Submissions (3):

Ambry Genetics
Classification: Uncertain significance for Cardiovascular phenotype. Last evaluated: 2026-06-13. Review status: criteria provided, single submitter. Criteria: Ambry Variant Classification Scheme 2023. Collection method: clinical testing. Allele origin: germline.
Comment: The p.P707R variant (also known as c.2120C>G), located in coding exon 13 of the CBL gene, results from a C to G substitution at nucleotide position 2120. The proline at codon 707 is replaced by arginine, an amino acid with dissimilar properties. This amino acid position is conserved. In addition, this alteration is predicted to be deleterious by in silico analysis. Based on the available evidence, the clinical significance of this variant remains unclear.

Labcorp Genetics (formerly Invitae), Labcorp
Classification: Uncertain significance for RASopathy. Last evaluated: 2023-11-04. Review status: criteria provided, single submitter. Criteria: Invitae Variant Classification Sherloc (09022015). Collection method: clinical testing. Allele origin: germline.
Comment: This sequence change replaces proline, which is neutral and non-polar, with arginine, which is basic and polar, at codon 707 of the CBL protein (p.Pro707Arg). This variant is not present in population databases (gnomAD no frequency). This variant has not been reported in the literature in individuals affected with CBL-related conditions. ClinVar contains an entry for this variant (Variation ID: 1684572). Advanced modeling of protein sequence and biophysical properties (such as structural, functional, and spatial information, amino acid conservation, physicochemical variation, residue mobility, and thermodynamic stability) performed at Invitae indicates that this missense variant is not expected to disrupt CBL protein function with a negative predictive value of 95%. In summary, the available evidence is currently insufficient to determine the role of this variant in disease. Therefore, it has been classified as a Variant of Uncertain Significance.

Institute of Human Genetics, University of Goettingen
Classification: Uncertain significance for CBL-related disorder. Last evaluated: 2022-05-20. Review status: criteria provided, single submitter. Criteria: ACMG Guidelines, 2015. Collection method: clinical testing. Allele origin: unknown. Inheritance: Autosomal dominant inheritance. Observed: 1 heterozygote.
Comment: For the following reasons, the CBL sequence variant found is assessed by us as a "variant of unclear significance" (VUS) with a possibly pathogenic character: the mutation has not yet been described in the specialist literature or listed in the HGMD and ClinVar databases; a comparison with the gnomAD browser did not provide any evidence that this sequence change is a norm variant that can also be detected in non-affected individuals; the mutation is independently classified as deleterious by four prediction programs; the following ACMG criteria were used for classification: PM1, PM2, PP2, PP3.

NM_005188.4(CBL):c.2120C>G (p.Pro707Arg)

Gene: CBL (Cbl proto-oncogene; plus strand). Cytogenetic location: 11q23.3.
Variant type: single nucleotide variant.
Coding change: c.2120C>G on transcript NM_005188.4 (MANE Select); coding-DNA position 2120, C replaced by G.
Protein change: p.Pro707Arg; replaces proline 707 with arginine.
Molecular consequence: missense variant.
Genome position (GRCh38, 1-based): chr11:119,297,001, C>G. VCF-style: chr11-119297001-C-G. GRCh37 (hg19) VCF-style: chr11-119167711-C-G.
Other names: c.2120C>G (NM_005188.2); short protein forms P707R.
Identifiers: ClinVar variation 1684572 (VCV001684572.7), dbSNP rs576175174, ClinGen allele CA382927239.